The following is an entry in ClinVar:

ClinVar aggregate classification (germline): Uncertain significance (1 of 4 stars; one submission).

Conditions:
Bardet-Biedl syndrome (BBS). Identifiers: Orphanet 110, MedGen C0752166, MONDO:0015229.

Allele frequency attached by ClinVar (database versions not stated): TOPMed below 0.00001; gnomAD 0.00001.

Submission:

Labcorp Genetics (formerly Invitae), Labcorp
Classification: Uncertain significance for Bardet-Biedl syndrome. Last evaluated: 2022-03-10. Review status: criteria provided, single submitter. Criteria: Invitae Variant Classification Sherloc (09022015). Collection method: clinical testing. Allele origin: germline.
Comment: This variant is not present in population databases (gnomAD no frequency). This sequence change replaces methionine, which is neutral and non-polar, with threonine, which is neutral and polar, at codon 111 of the WDPCP protein (p.Met111Thr). In summary, the available evidence is currently insufficient to determine the role of this variant in disease. Therefore, it has been classified as a Variant of Uncertain Significance. Algorithms developed to predict the effect of missense changes on protein structure and function (SIFT, PolyPhen-2, Align-GVGD) all suggest that this variant is likely to be disruptive. ClinVar contains an entry for this variant (Variation ID: 1003447). This variant has not been reported in the literature in individuals affected with WDPCP-related conditions.

NM_015910.7(WDPCP):c.332T>C (p.Met111Thr)

Gene: WDPCP (WD repeat containing planar cell polarity effector; minus strand). Cytogenetic location: 2p15.
Variant type: single nucleotide variant.
Coding change: c.332T>C on transcript NM_015910.7 (MANE Select); coding-DNA position 332, T replaced by C.
Protein change: p.Met111Thr; replaces methionine 111 with threonine.
Molecular consequence: missense variant. On other transcripts: non-coding transcript variant (2).
Genome position (GRCh38, 1-based): chr2:63,484,656, A>G on the plus strand (T>C on the coding strand, the complement: WDPCP is on the minus strand). VCF-style: chr2-63484656-A-G. GRCh37 (hg19) VCF-style: chr2-63711790-A-G.
Other names: c.260T>C, p.Met87Thr (NM_001354044.2); c.332T>C, p.Met111Thr (NM_001354045.2); short protein forms M111T, M87T.
Identifiers: ClinVar variation 1003447 (VCV001003447.8), dbSNP rs1392647874, ClinGen allele CA347065879.